The following is an entry in ClinVar:

NM_000256.3(MYBPC3):c.2451del (p.Trp818fs)

Gene: MYBPC3 (myosin binding protein C3; minus strand). Cytogenetic location: 11p11.2.
Variant type: Deletion.
Coding change: c.2451del on transcript NM_000256.3 (MANE Select); coding-DNA position 2451, one base deleted (G; older notation c.2451delG).
Protein change: p.Trp818fs; shifts the reading frame from tryptophan 818.
Molecular consequence: frameshift variant.
Genome position (GRCh38, 1-based): chr11:47,337,542, C deleted on the plus strand (G on the coding strand, the reverse complement: MYBPC3 is on the minus strand); the first of 2 consecutive C bases (chr11:47,337,542-47,337,543); deleting either gives the same sequence. VCF-style (leftmost placement, unchanged base first): chr11-47337541-AC-A. GRCh37 (hg19) VCF-style: chr11-47359092-AC-A.
Other names: c.2451delG (NM_000256.3); c.2451del, p.Trp818fs (LRG_386t1); short protein forms W818fs.
Identifiers: ClinVar variation 520271 (VCV000520271.8), dbSNP rs1555121247, ClinGen allele CA658797624.

ClinVar aggregate classification (germline): Pathogenic. Review status: criteria provided, multiple submitters, no conflicts (2 of 4 stars). 2 submissions from 2 submitters: Pathogenic (2). Last evaluated 2025-05-01.

Conditions:
Hypertrophic cardiomyopathy. Also called: HYPERTROPHIC MYOCARDIOPATHY. Identifiers: Orphanet 217569, MedGen C0007194, MeSH D002312, MONDO:0005045, HP:0001639.
Cardiovascular phenotype. Identifiers: MedGen CN230736.

Submissions (2):

Ambry Genetics
Classification: Pathogenic for Cardiovascular phenotype. Last evaluated: 2025-05-01. Review status: criteria provided, single submitter. Criteria: Ambry Variant Classification Scheme 2023. Collection method: clinical testing. Allele origin: germline.
Comment: The c.2451delG pathogenic mutation, located in coding exon 25 of the MYBPC3 gene, results from a deletion of one nucleotide at nucleotide position 2451, causing a translational frameshift with a predicted alternate stop codon (p.W818Gfs*4). This variant is considered to be rare based on population cohorts in the Genome Aggregation Database (gnomAD). This alteration is expected to result in loss of function by premature protein truncation or nonsense-mediated mRNA decay. As such, this alteration is interpreted as a disease-causing mutation.

Labcorp Genetics (formerly Invitae), Labcorp
Classification: Pathogenic for Hypertrophic cardiomyopathy. Last evaluated: 2025-03-11. Review status: criteria provided, single submitter. Criteria: Invitae Variant Classification Sherloc (09022015). Collection method: clinical testing. Allele origin: germline.
Comment: This sequence change creates a premature translational stop signal (p.Trp818Glyfs*4) in the MYBPC3 gene. It is expected to result in an absent or disrupted protein product. Loss-of-function variants in MYBPC3 are known to be pathogenic (PMID: 19574547). This variant is not present in population databases (gnomAD no frequency). This variant has not been reported in the literature in individuals affected with MYBPC3-related conditions. ClinVar contains an entry for this variant (Variation ID: 520271). For these reasons, this variant has been classified as Pathogenic.

Literature cited by the submitters: PubMed 19574547 (cited by Labcorp Genetics (formerly Invitae), Labcorp).